The following is an entry in ClinVar:

NM_004356.4(CD81):c.427G>A (p.Ala143Thr)

Gene: CD81 (CD81 molecule; plus strand). Cytogenetic location: 11p15.5.
Variant type: single nucleotide variant.
Coding change: c.427G>A on transcript NM_004356.4 (MANE Select); coding-DNA position 427, G replaced by A.
Protein change: p.Ala143Thr; replaces alanine 143 with threonine.
Molecular consequence: missense variant.
Genome position (GRCh38, 1-based): chr11:2,395,488, G>A. VCF-style: chr11-2395488-G-A. GRCh37 (hg19) VCF-style: chr11-2416718-G-A.
Other names: c.214G>A, p.Ala72Thr (NM_001297649.2); short protein forms A143T, A72T.
Identifiers: ClinVar variation 1470725 (VCV001470725.6), dbSNP rs2133465190, ClinGen allele CA379124495.
Genomic context (GRCh38, chr11:2,395,488, plus strand): 5'-GTGAAGCAGTTCTATGACCAGGCCCTACAGCAGGCCGTGGTGGATGATGACGCCAACAAC[G>A]CCAAGGCTGTGGTGAAGACCTTCCACGAGACGGTGCGGCCCCGGGGGGCGAGGGCGGGGA-3'
Protein context (NP_004347.1, residues 133-153): QAVVDDDANN[Ala143Thr]KAVVKTFHET

ClinVar aggregate classification (germline): Uncertain significance (1 of 4 stars; one submission).

Allele frequency attached by ClinVar (database versions not stated): gnomAD exomes below 0.00001.
gnomAD v4.1: 6 of 1,612,672 alleles (0.00037%); highest among the groups gnomAD compares: Non-Finnish European, 0.00042%; no homozygotes.

Submission:

Labcorp Genetics (formerly Invitae), Labcorp
Classification: Uncertain significance. Last evaluated: 2021-08-16. Review status: criteria provided, single submitter. Criteria: Invitae Variant Classification Sherloc (09022015). Collection method: clinical testing. Allele origin: germline.
Comment: In summary, the available evidence is currently insufficient to determine the role of this variant in disease. Therefore, it has been classified as a Variant of Uncertain Significance. Algorithms developed to predict the effect of missense changes on protein structure and function are either unavailable or do not agree on the potential impact of this missense change (SIFT: "Tolerated"; PolyPhen-2: "Possibly Damaging"; Align-GVGD: "Class C0"). This variant has not been reported in the literature in individuals affected with CD81-related conditions. This variant is not present in population databases (ExAC no frequency). This sequence change replaces alanine with threonine at codon 143 of the CD81 protein (p.Ala143Thr). The alanine residue is moderately conserved and there is a small physicochemical difference between alanine and threonine.